The following is an entry in ClinVar:

ClinVar aggregate classification (germline): Uncertain significance. Review status: criteria provided, multiple submitters, no conflicts (2 of 4 stars). 2 submissions from 2 submitters: Uncertain significance (2). Last evaluated 2024-04-30.

Conditions:
Hereditary cancer-predisposing syndrome. Also called: Hereditary Cancer Syndrome; Tumor predisposition; Neoplastic Syndromes, Hereditary; Hereditary neoplastic syndrome. Identifiers: Orphanet 140162, MedGen C0027672, MeSH D009386, MONDO:0015356.
Familial adenomatous polyposis 1 (FAP1). Also called: FAMILIAL ADENOMATOUS POLYPOSIS 1, ATTENUATED; POLYPOSIS, ADENOMATOUS INTESTINAL. Identifiers: MedGen C2713442, MONDO:0021056, OMIM 175100. Disease mechanism: loss of function.

Submissions (2):

Labcorp Genetics (formerly Invitae), Labcorp
Classification: Uncertain significance for Familial adenomatous polyposis 1. Last evaluated: 2024-04-30. Review status: criteria provided, single submitter. Criteria: Invitae Variant Classification Sherloc (09022015). Collection method: clinical testing. Allele origin: germline.
Comment: This sequence change replaces serine, which is neutral and polar, with glycine, which is neutral and non-polar, at codon 2685 of the APC protein (p.Ser2685Gly). This variant is not present in population databases (gnomAD no frequency). This variant has not been reported in the literature in individuals affected with APC-related conditions. ClinVar contains an entry for this variant (Variation ID: 1011701). Advanced modeling of protein sequence and biophysical properties (such as structural, functional, and spatial information, amino acid conservation, physicochemical variation, residue mobility, and thermodynamic stability) performed at Invitae indicates that this missense variant is not expected to disrupt APC protein function with a negative predictive value of 95%. In summary, the available evidence is currently insufficient to determine the role of this variant in disease. Therefore, it has been classified as a Variant of Uncertain Significance.

Ambry Genetics
Classification: Uncertain significance for Hereditary cancer-predisposing syndrome. Last evaluated: 2020-05-22. Review status: criteria provided, single submitter. Criteria: Ambry Variant Classification Scheme 2023. Collection method: clinical testing. Allele origin: germline.
Comment: The p.S2685G variant (also known as c.8053A>G), located in coding exon 15 of the APC gene, results from an A to G substitution at nucleotide position 8053. The serine at codon 2685 is replaced by glycine, an amino acid with similar properties. This amino acid position is not well conserved in available vertebrate species. In addition, in silico predictors for this gene do not accurately predict pathogenicity. Since supporting evidence is limited at this time, the clinical significance of this alteration remains unclear.

NM_000038.6(APC):c.8053A>G (p.Ser2685Gly)

Gene: APC (APC regulator of Wnt signaling pathway; plus strand). Cytogenetic location: 5q22.2.
Variant type: single nucleotide variant.
Coding change: c.8053A>G on transcript NM_000038.6 (MANE Select); coding-DNA position 8053, A replaced by G.
Protein change: p.Ser2685Gly; replaces serine 2685 with glycine.
Molecular consequence: missense variant.
Genome position (GRCh38, 1-based): chr5:112,843,647, A>G. VCF-style: chr5-112843647-A-G. GRCh37 (hg19) VCF-style: chr5-112179344-A-G.
Other names: c.8053A>G, p.Ser2685Gly (NM_001127510.3, NM_001354895.2); c.7999A>G, p.Ser2667Gly (NM_001127511.3); c.8107A>G, p.Ser2703Gly (NM_001354896.2); c.8083A>G, p.Ser2695Gly (NM_001354897.2); c.7978A>G, p.Ser2660Gly (NM_001354898.2); c.7969A>G, p.Ser2657Gly (NM_001354899.2); c.7930A>G, p.Ser2644Gly (NM_001354900.2); c.7876A>G, p.Ser2626Gly (NM_001354901.2); and 5 more; short protein forms S2402G, S2525G, S2559G, S2584G, S2594G, S2626G, S2644G, S2657G.
Identifiers: ClinVar variation 1011701 (VCV001011701.50), dbSNP rs1426438755, ClinGen allele CA16038816.